The following is an entry in ClinVar:

NM_001374736.1(DST):c.12203A>C (p.His4068Pro)

Gene: DST (dystonin; minus strand). Cytogenetic location: 6p12.1.
Variant type: single nucleotide variant.
Coding change: c.12203A>C on transcript NM_001374736.1 (MANE Select); coding-DNA position 12203, A replaced by C.
Protein change: p.His4068Pro; replaces histidine 4068 with proline.
Molecular consequence: missense variant.
Genome position (GRCh38, 1-based): chr6:56,594,186, T>G on the plus strand (A>C on the coding strand, the complement: DST is on the minus strand). VCF-style: chr6-56594186-T-G. GRCh37 (hg19) VCF-style: chr6-56458984-T-G.
Other names: c.5846A>C, p.His1949Pro (NM_001144769.5); c.5432A>C, p.His1811Pro (NM_001144770.2); c.12203A>C, p.His4068Pro (NM_001374722.1); c.11570A>C, p.His3857Pro (NM_001374729.1); c.5312A>C, p.His1771Pro (NM_001374730.1, NM_001386100.1, NM_183380.4); c.12230A>C, p.His4077Pro (NM_001374734.1); c.4334A>C, p.His1445Pro (NM_015548.5); short protein forms H1445P, H1771P, H1811P, H1949P, H3857P, H4068P, H4077P.
Identifiers: ClinVar variation 3760377 (VCV003760377.2).
Genomic context (GRCh38, chr6:56,594,186, plus strand): 5'-AACACTTGTGCAGACTGAGTGGCTATGATCACTGCTTGGTGCTGAGAGATGATCTTCTCG[T>G]GTTGGGCCTATGTGAAAACAAATTGATCATAATCTTCAAGCAGTAACGGGGTAACACCTG-3'
Protein context (NP_001361665.1, residues 4058-4078): NQQYQKVKAQ[His4068Pro]EKIISQHQAV

ClinVar aggregate classification (germline): Uncertain significance (1 of 4 stars; one submission).

Conditions:
Epidermolysis bullosa simplex 3, localized or generalized intermediate, with BP230 deficiency (EBS3). Also called: Epidermolysis bullosa simplex due to BP230 deficiency; Epidermolysis bullosa simplex, autosomal recessive 2. Identifiers: Orphanet 412181, MedGen C3809470, MONDO:0014180, OMIM 615425.
Hereditary sensory and autonomic neuropathy type 6. Also called: Neuropathy, hereditary sensory and autonomic, type VI; HSAN VI. Identifiers: Orphanet 314381, MedGen C3539003, MONDO:0013839, OMIM 614653.

Submission:

Labcorp Genetics (formerly Invitae), Labcorp
Classification: Uncertain significance for Epidermolysis bullosa simplex 3, localized or generalized intermediate, with BP230 deficiency; Hereditary sensory and autonomic neuropathy type 6. Last evaluated: 2025-03-14. Review status: criteria provided, single submitter. Criteria: Invitae Variant Classification Sherloc (09022015). Collection method: clinical testing. Allele origin: germline.
Comment: The DST gene has multiple clinically relevant transcripts. This variant occurs in alternate transcript NM_015548.4, and corresponds to NM_001723.5:c.*21331A>C in the primary transcript. This sequence change replaces histidine, which is basic and polar, with proline, which is neutral and non-polar, at codon 1445 of the DST protein (p.His1445Pro). This variant is not present in population databases (gnomAD no frequency). This variant has not been reported in the literature in individuals affected with DST-related conditions. Experimental studies and prediction algorithms are not available or were not evaluated, and the functional significance of this variant is currently unknown. In summary, the available evidence is currently insufficient to determine the role of this variant in disease. Therefore, it has been classified as a Variant of Uncertain Significance.